The following is an entry in ClinVar:

NM_017755.6(NSUN2):c.740C>A (p.Pro247His)

Gene: NSUN2 (NOP2/Sun RNA methyltransferase 2; minus strand). Cytogenetic location: 5p15.31.
Variant type: single nucleotide variant.
Coding change: c.740C>A on transcript NM_017755.6 (MANE Select); coding-DNA position 740, C replaced by A.
Protein change: p.Pro247His; replaces proline 247 with histidine.
Molecular consequence: missense variant. On other transcripts: non-coding transcript variant (1).
Genome position (GRCh38, 1-based): chr5:6,620,181, G>T on the plus strand (C>A on the coding strand, the complement: NSUN2 is on the minus strand). VCF-style: chr5-6620181-G-T. GRCh37 (hg19) VCF-style: chr5-6620294-G-T.
Other names: c.635C>A, p.Pro212His (NM_001193455.2); short protein forms P212H, P247H.
Identifiers: ClinVar variation 1758774 (VCV001758774.2), dbSNP rs1289463245, ClinGen allele CA359125438.

ClinVar aggregate classification (germline): Uncertain significance (1 of 4 stars; one submission).

Conditions:
Inborn genetic diseases. Identifiers: MedGen C0950123, MeSH D030342.

Submission:

Ambry Genetics
Classification: Uncertain significance for Inborn genetic diseases. Last evaluated: 2017-09-06. Review status: criteria provided, single submitter. Criteria: Ambry Variant Classification Scheme 2023. Collection method: clinical testing. Allele origin: germline.
Comment: The p.P247H variant (also known as c.740C>A), located in coding exon 7 of the NSUN2 gene, results from a C to A substitution at nucleotide position 740. The proline at codon 247 is replaced by histidine, an amino acid with similar properties. This amino acid position is highly conserved in available vertebrate species. In addition, this alteration is predicted to be deleterious by in silico analysis. Since supporting evidence is limited at this time, the clinical significance of this alteration remains unclear.